The following is an entry in ClinVar:

NM_004304.5(ALK):c.4610G>C (p.Gly1537Ala)

Gene: ALK (ALK receptor tyrosine kinase; minus strand). Cytogenetic location: 2p23.2.
Variant type: single nucleotide variant.
Coding change: c.4610G>C on transcript NM_004304.5 (MANE Select); coding-DNA position 4610, G replaced by C.
Protein change: p.Gly1537Ala; replaces glycine 1537 with alanine.
Molecular consequence: missense variant.
Genome position (GRCh38, 1-based): chr2:29,193,477, C>G on the plus strand (G>C on the coding strand, the complement: ALK is on the minus strand). VCF-style: chr2-29193477-C-G. GRCh37 (hg19) VCF-style: chr2-29416343-C-G.
Other names: c.1406G>C, p.Gly469Ala (NM_001353765.2); short protein forms G1537A, G469A.
Identifiers: ClinVar variation 1052698 (VCV001052698.9), dbSNP rs1046265972, ClinGen allele CA346460604.

ClinVar aggregate classification (germline): Uncertain significance (1 of 4 stars; one submission).

Conditions:
Neuroblastoma, susceptibility to, 3. Also called: ALK-Related Neuroblastic Tumor Susceptibility. Identifiers: Orphanet 635, MedGen C2751681, MONDO:0013083, OMIM 613014.

Submission:

Labcorp Genetics (formerly Invitae), Labcorp
Classification: Uncertain significance for Neuroblastoma, susceptibility to, 3. Last evaluated: 2018-02-22. Review status: criteria provided, single submitter. Criteria: Invitae Variant Classification Sherloc (09022015). Collection method: clinical testing. Allele origin: germline.
Comment: This variant is not present in population databases (ExAC no frequency). In summary, the available evidence is currently insufficient to determine the role of this variant in disease. Therefore, it has been classified as a Variant of Uncertain Significance. Algorithms developed to predict the effect of missense changes on protein structure and function output the following: SIFT: "Deleterious"; PolyPhen-2: "Possibly Damaging"; Align-GVGD: "Class C55". The alanine amino acid residue is found in multiple mammalian species, suggesting that this missense change does not adversely affect protein function. These predictions have not been confirmed by published functional studies and their clinical significance is uncertain. This variant has not been reported in the literature in individuals with ALK-related disease. This sequence change replaces glycine with alanine at codon 1537 of the ALK protein (p.Gly1537Ala). The glycine residue is highly conserved and there is a small physicochemical difference between glycine and alanine.